The following is an entry in ClinVar:

NM_017617.5(NOTCH1):c.3898A>G (p.Thr1300Ala)

Gene: NOTCH1 (notch receptor 1; minus strand). Cytogenetic location: 9q34.3.
Variant type: single nucleotide variant.
Coding change: c.3898A>G on transcript NM_017617.5 (MANE Select); coding-DNA position 3898, A replaced by G.
Protein change: p.Thr1300Ala; replaces threonine 1300 with alanine.
Molecular consequence: missense variant.
Genome position (GRCh38, 1-based): chr9:136,506,719, T>C on the plus strand (A>G on the coding strand, the complement: NOTCH1 is on the minus strand). VCF-style: chr9-136506719-T-C. GRCh37 (hg19) VCF-style: chr9-139401171-T-C.
Other names: short protein forms T1300A.
Identifiers: ClinVar variation 4975138 (VCV004975138.1).

ClinVar aggregate classification (germline): Uncertain significance (1 of 4 stars; one submission).

gnomAD v4.1: 1 of 1,598,968 alleles (0.000063%); highest among the groups gnomAD compares: African/African-American, 0.0013%; no homozygotes.

Submission:

GeneDx
Classification: Uncertain significance. Last evaluated: 2026-03-16. Review status: criteria provided, single submitter. Criteria: GeneDx Variant Classification Process June 2021. Collection method: clinical testing. Allele origin: germline.
Comment: In silico analysis supports that this missense variant has a deleterious effect on protein structure/function; Not observed at significant frequency in large population cohorts (gnomAD); This variant is associated with the following publications: (PMID: 40127276)